The following is an entry in ClinVar:

NM_172232.4(ABCA5):c.2337G>A (p.Thr779=)

Gene: ABCA5 (ATP binding cassette subfamily A member 5; minus strand). Cytogenetic location: 17q24.3.
Variant type: single nucleotide variant.
Coding change: c.2337G>A on transcript NM_172232.4 (MANE Select); coding-DNA position 2337, G replaced by A.
Protein change: p.Thr779=; no amino-acid change (threonine 779 retained).
Molecular consequence: synonymous variant.
Genome position (GRCh38, 1-based): chr17:69,284,008, C>T on the plus strand (G>A on the coding strand, the complement: ABCA5 is on the minus strand). VCF-style: chr17-69284008-C-T. GRCh37 (hg19) VCF-style: chr17-67280149-C-T.
Other names: c.2337G>A, p.Thr779= (NM_018672.5).
Identifiers: ClinVar variation 3049666 (VCV003049666.2), dbSNP rs763088978, ClinGen allele CA8737331.

ClinVar aggregate classification (germline): Likely benign (0 of 4 stars; one submission).

Conditions:
ABCA5-related disorder. Also called: ABCA5-related condition.

Allele frequency attached by ClinVar (database versions not stated): TOPMed below 0.00001; ExAC 0.00001; gnomAD 0.00001; gnomAD exomes 0.00002.
gnomAD v4.1: 34 of 1,606,554 alleles (0.0021%); highest among the groups gnomAD compares: East Asian, 0.0068%; no homozygotes.

Submission:

PreventionGenetics, part of Exact Sciences
Classification: Likely benign for ABCA5-related condition. Last evaluated: 2019-07-22. Review status: no assertion criteria provided. Collection method: clinical testing. Allele origin: germline.
Comment: This variant is classified as likely benign based on ACMG/AMP sequence variant interpretation guidelines (Richards et al. 2015 PMID: 25741868, with internal and published modifications).